The following is an entry in ClinVar:

NM_005219.5(DIAPH1):c.1480G>T (p.Ala494Ser)

Gene: DIAPH1 (diaphanous related formin 1; minus strand). Cytogenetic location: 5q31.3.
Variant type: single nucleotide variant.
Coding change: c.1480G>T on transcript NM_005219.5 (MANE Select); coding-DNA position 1480, G replaced by T.
Protein change: p.Ala494Ser; replaces alanine 494 with serine.
Molecular consequence: missense variant.
Genome position (GRCh38, 1-based): chr5:141,575,128, C>A on the plus strand (G>T on the coding strand, the complement: DIAPH1 is on the minus strand). VCF-style: chr5-141575128-C-A. GRCh37 (hg19) VCF-style: chr5-140954695-C-A.
Other names: c.1453G>T, p.Ala485Ser (NM_001079812.3); c.1480G>T, p.Ala494Ser (NM_001314007.2); short protein forms A494S, A485S.
Identifiers: ClinVar variation 1347399 (VCV001347399.6), dbSNP rs2099895764, ClinGen allele CA361524475.

ClinVar aggregate classification (germline): Uncertain significance (1 of 4 stars; one submission).

Conditions:
Progressive microcephaly-seizures-cortical blindness-developmental delay syndrome. Also called: Seizures, cortical blindness, and microcephaly syndrome. Identifiers: Orphanet 477814, MedGen C5567650, MONDO:0014714, OMIM 616632.
Autosomal dominant nonsyndromic hearing loss 1. Also called: DEAFNESS, AUTOSOMAL DOMINANT 1, WITH OR WITHOUT THROMBOCYTOPENIA; KONIGSMARK SYNDROME. Identifiers: Orphanet 90635, MedGen C1852282, MONDO:0007424, OMIM 124900.

Allele frequency attached by ClinVar (database versions not stated): gnomAD exomes below 0.00001.
gnomAD v4.1: 3 of 1,614,216 alleles (0.00019%); highest among the groups gnomAD compares: South Asian, 0.0011%; no homozygotes.

Submission:

Labcorp Genetics (formerly Invitae), Labcorp
Classification: Uncertain significance for Progressive microcephaly-seizures-cortical blindness-developmental delay syndrome; Autosomal dominant nonsyndromic hearing loss 1. Last evaluated: 2024-02-26. Review status: criteria provided, single submitter. Criteria: Invitae Variant Classification Sherloc (09022015). Collection method: clinical testing. Allele origin: germline.
Comment: This sequence change replaces alanine, which is neutral and non-polar, with serine, which is neutral and polar, at codon 494 of the DIAPH1 protein (p.Ala494Ser). This variant is not present in population databases (gnomAD no frequency). This variant has not been reported in the literature in individuals affected with DIAPH1-related conditions. ClinVar contains an entry for this variant (Variation ID: 1347399). Algorithms developed to predict the effect of missense changes on protein structure and function output the following: SIFT: "Not Available"; PolyPhen-2: "Not Available"; Align-GVGD: "Not Available". The serine amino acid residue is found in multiple mammalian species, which suggests that this missense change does not adversely affect protein function. In summary, the available evidence is currently insufficient to determine the role of this variant in disease. Therefore, it has been classified as a Variant of Uncertain Significance.